The following is an entry in ClinVar:

ClinVar aggregate classification (germline): Benign. Review status: criteria provided, multiple submitters, no conflicts (2 of 4 stars). 5 submissions from 5 submitters: Benign (4). 1 of the submissions does not count toward it. Last evaluated 2026-01-19.

Conditions:
COA8-related disorder. Also called: COA8-related condition.

Allele frequency attached by ClinVar (database versions not stated): gnomAD exomes 0.00122 and 0.00360; ExAC 0.00821; ESP Exome Variant Server 0.01021; gnomAD 0.01457 and 0.01562; 1000 Genomes Project 0.01657; TOPMed 0.01662; 1000 Genomes Project 30x 0.01686.
gnomAD v4.1: 4,076 of 1,556,566 alleles (0.26%); highest among the groups gnomAD compares: African/African-American, 4.7%; 93 homozygotes.

Submissions (5):

Labcorp Genetics (formerly Invitae), Labcorp
Classification: Benign. Last evaluated: 2026-01-19. Review status: criteria provided, single submitter. Criteria: Invitae Variant Classification Sherloc (09022015). Collection method: clinical testing. Allele origin: germline.

Center for Pediatric Genomic Medicine, Children's Mercy Hospital and Clinics
Classification: Benign. Last evaluated: 2016-06-14. Review status: criteria provided, single submitter. Criteria: ACMG Guidelines, 2015. Collection method: clinical testing. Allele origin: germline.

GeneDx
Classification: Benign. Last evaluated: 2016-03-09. Review status: criteria provided, single submitter. Criteria: GeneDx Variant Classification (06012015). Collection method: clinical testing. Allele origin: germline. Affected: yes.
Comment: This variant is considered likely benign or benign based on one or more of the following criteria: it is a conservative change, it occurs at a poorly conserved position in the protein, it is predicted to be benign by multiple in silico algorithms, and/or has population frequency not consistent with disease.

Breakthrough Genomics
Classification: Benign. Review status: criteria provided, single submitter. Criteria: ACMG Guidelines, 2015. Collection method: not provided. Allele origin: germline. Inheritance: Autosomal recessive inheritance. Affected: yes.

PreventionGenetics, part of Exact Sciences
Classification: Benign for COA8-related condition. Last evaluated: 2019-04-12. Review status: no assertion criteria provided. Collection method: clinical testing. Allele origin: germline. Not counted in ClinVar's aggregate classification.
Comment: This variant is classified as benign based on ACMG/AMP sequence variant interpretation guidelines (Richards et al. 2015 PMID: 25741868, with internal and published modifications).

NM_001370595.2(COA8):c.23A>G (p.Lys8Arg)

Gene: COA8 (cytochrome c oxidase assembly factor 8; plus strand). Cytogenetic location: 14q32.33.
Variant type: single nucleotide variant.
Coding change: c.23A>G on transcript NM_001370595.2 (MANE Select); coding-DNA position 23, A replaced by G.
Protein change: p.Lys8Arg; replaces lysine 8 with arginine.
Molecular consequence: missense variant. On other transcripts: non-coding transcript variant (2).
Genome position (GRCh38, 1-based): chr14:103,563,024, A>G. VCF-style: chr14-103563024-A-G. GRCh37 (hg19) VCF-style: chr14-104029361-A-G.
Other names: c.62A>G (NM_032374.4); c.23A>G, p.Lys8Arg (NM_001302653.2, NM_001302654.2); short protein forms K8R.
Identifiers: ClinVar variation 377320 (VCV000377320.16), dbSNP rs190920873, ClinGen allele CA7365384.